The following is an entry in ClinVar:

ClinVar aggregate classification (germline): Uncertain significance. Review status: criteria provided, multiple submitters, no conflicts (2 of 4 stars). 2 submissions from 2 submitters: Uncertain significance (2). Last evaluated 2025-10-01.

Conditions:
Primary dilated cardiomyopathy (DCM). Also called: Dilated Cardiomyopathy. Identifiers: Orphanet 217604, MedGen C0007193, MeSH D002311, MONDO:0005021, HP:0001644. Inheritance: Various modes of inheritance.

Allele frequency attached by ClinVar (database versions not stated): ExAC 0.00002; gnomAD exomes 0.00003 and 0.00009; TOPMed 0.00005; gnomAD 0.00007 and 0.00008.
gnomAD v4.1: 136 of 1,606,144 alleles (0.0085%); highest among the groups gnomAD compares: Non-Finnish European, 0.011%; no homozygotes.

Submissions (2):

Labcorp Genetics (formerly Invitae), Labcorp
Classification: Uncertain significance for Primary dilated cardiomyopathy. Last evaluated: 2025-10-01. Review status: criteria provided, single submitter. Criteria: Invitae Variant Classification Sherloc (09022015). Collection method: clinical testing. Allele origin: germline.
Comment: This sequence change replaces glutamine, which is neutral and polar, with arginine, which is basic and polar, at codon 649 of the NEBL protein (p.Gln649Arg). This variant is present in population databases (rs770416802, gnomAD 0.01%). This variant has not been reported in the literature in individuals affected with NEBL-related conditions. ClinVar contains an entry for this variant (Variation ID: 391870). An algorithm developed to predict the effect of missense changes on protein structure and function (PolyPhen-2) suggests that this variant is likely to be tolerated. In summary, the available evidence is currently insufficient to determine the role of this variant in disease. Therefore, it has been classified as a Variant of Uncertain Significance.

GeneDx
Classification: Uncertain significance. Last evaluated: 2019-01-09. Review status: criteria provided, single submitter. Criteria: GeneDx Variant Classification (06012015). Collection method: clinical testing. Allele origin: germline. Affected: yes.
Comment: A variant of uncertain significance has been identified in the NEBL gene. The Q649R variant has not been published as a pathogenic variant, nor has it been reported as a benign variant to our knowledge. This variant was not observed in approximately 6,500 individuals of European and African American ancestry in the NHLBI Exome Sequencing Project, indicating it is not a common benign variant in these populations. The Q649R variant is a semi-conservative amino acid substitution, which may impact secondary protein structure as these residues differ in some properties. This substitution occurs at a position that is conserved across species, and in silico analysis predicts this variant is probably damaging to the protein structure/function. However, to our knowledge no studies have been performed to determine the functional effect of the Q649R variant.Therefore, based on the currently available information, it is unclear whether this variant is pathogenic or benign.

NM_006393.3(NEBL):c.1946A>G (p.Gln649Arg)

Gene: NEBL (nebulette; minus strand). Cytogenetic location: 10p12.31.
Variant type: single nucleotide variant.
Coding change: c.1946A>G on transcript NM_006393.3 (MANE Select); coding-DNA position 1946, A replaced by G.
Protein change: p.Gln649Arg; replaces glutamine 649 with arginine.
Molecular consequence: missense variant. On other transcripts: intron variant (9).
Genome position (GRCh38, 1-based): chr10:20,823,224, T>C on the plus strand (A>G on the coding strand, the complement: NEBL is on the minus strand). VCF-style: chr10-20823224-T-C. GRCh37 (hg19) VCF-style: chr10-21112153-T-C.
Other names: c.250-10284A>G (NM_001377326.1, NM_001377327.1, NM_001377328.1); c.358-10284A>G (NM_213569.2, NM_001173484.2, NM_001377322.1); c.301-10284A>G (NM_001377324.1); c.292-10284A>G (NM_001377325.1); c.310-10284A>G (NM_001377323.1); short protein forms Q649R.
Identifiers: ClinVar variation 391870 (VCV000391870.10), dbSNP rs770416802, ClinGen allele CA5432693.